The following is an entry in ClinVar:

ClinVar aggregate classification (germline): Uncertain significance. Review status: criteria provided, multiple submitters, no conflicts (2 of 4 stars). 3 submissions from 3 submitters: Uncertain significance (3). Last evaluated 2026-06-16.

Conditions:
Skeletal dysplasia. Also called: Primary bone dysplasia. Identifiers: Orphanet 364526, MedGen C0410528, MONDO:0018230, HP:0002652.

Allele frequency attached by ClinVar (database versions not stated): gnomAD 0.00001; ExAC 0.00001; gnomAD exomes 0.00004; TOPMed 0.00001.
gnomAD v4.1: 50 of 1,595,476 alleles (0.0031%); highest among the groups gnomAD compares: Non-Finnish European, 0.0041%; no homozygotes.

Submissions (3):

Women's Health and Genetics/Laboratory Corporation of America, LabCorp
Classification: Uncertain significance. Last evaluated: 2026-06-16. Review status: criteria provided, single submitter. Criteria: LabCorp Variant Classification Summary - May 2015. Collection method: clinical testing. Allele origin: germline.
Comment: Variant summary: CACNA1D c.2466+3A>G alters a non-conserved nucleotide located close to a canonical splice site and therefore could affect mRNA splicing, leading to a significantly altered protein sequence. Several computational tools predict a significant impact on normal splicing: Three predict the variant weakens a 5' donor site. However, these predictions have yet to be confirmed by functional studies. The variant allele was found at a frequency of 1.2e-05 in 251186 control chromosomes. The available data on variant occurrences in the general population are insufficient to allow any conclusion about variant significance. To our knowledge, no occurrence of c.2466+3A>G in individuals affected with CACNA1D-related conditions and no experimental evidence demonstrating its impact on protein function have been reported. ClinVar contains an entry for this variant (Variation ID: 2722712). Based on the evidence outlined above, the variant was classified as uncertain significance.

Labcorp Genetics (formerly Invitae), Labcorp
Classification: Uncertain significance. Last evaluated: 2025-12-26. Review status: criteria provided, single submitter. Criteria: Invitae Variant Classification Sherloc (09022015). Collection method: clinical testing. Allele origin: germline.
Comment: This sequence change falls in intron 18 of the CACNA1D gene. It does not directly change the encoded amino acid sequence of the CACNA1D protein. It affects a nucleotide within the consensus splice site. This variant is present in population databases (rs753066458, gnomAD 0.004%). This variant has not been reported in the literature in individuals affected with CACNA1D-related conditions. ClinVar contains an entry for this variant (Variation ID: 2722712). Variants that disrupt the consensus splice site are a relatively common cause of aberrant splicing (PMID: 17576681, 9536098). Algorithms developed to predict the effect of sequence changes on RNA splicing suggest that this variant is not likely to affect RNA splicing. In summary, the available evidence is currently insufficient to determine the role of this variant in disease. Therefore, it has been classified as a Variant of Uncertain Significance.

Cambridge Genomics Laboratory, East Genomic Laboratory Hub, NHS Genomic Medicine Service
Classification: Uncertain significance for Skeletal dysplasia. Last evaluated: 2020-05-29. Review status: criteria provided, single submitter. Criteria: ACGS Best Practice Guidelines for Variant Classification in Rare Disease 2020. Collection method: clinical testing. Allele origin: germline. Affected: yes. Observed: 1 variant allele.

Literature cited by the submitters: PubMed 17576681 (cited by Labcorp Genetics (formerly Invitae), Labcorp); PubMed 9536098 (cited by Labcorp Genetics (formerly Invitae), Labcorp).

NM_001128840.3(CACNA1D):c.2406+3A>G

Gene: CACNA1D (calcium voltage-gated channel subunit alpha1 D; plus strand). Cytogenetic location: 3p21.1.
Variant type: single nucleotide variant.
Coding change: c.2406+3A>G on transcript NM_001128840.3 (MANE Select); 3 bases into the intron after coding-DNA position 2406, A replaced by G.
Molecular consequence: intron variant.
Genome position (GRCh38, 1-based): chr3:53,731,149, A>G. VCF-style: chr3-53731149-A-G. GRCh37 (hg19) VCF-style: chr3-53765176-A-G.
Other names: c.2406+3A>G (NM_001128839.3); c.2466+3A>G (NM_000720.4).
Identifiers: ClinVar variation 2722712 (VCV002722712.5), dbSNP rs753066458, ClinGen allele CA2454220.